The following is an entry in ClinVar:

ClinVar aggregate classification (germline): Uncertain significance (1 of 4 stars; one submission).

Conditions:
Hereditary breast ovarian cancer syndrome. Also called: Hereditary breast and ovarian cancer; Hereditary breast and ovarian cancer syndrome; BRCA1- and BRCA2-Associated Hereditary Breast and Ovarian Cancer; Hereditary breast and ovarian cancer syndrome (HBOC); Breast and ovarian cancer; Hereditary breast and/or ovarian cancer syndrome. Identifiers: Orphanet 145, MedGen C0677776, MeSH D061325, MONDO:0003582. Disease mechanism: loss of function.

Submission:

Labcorp Genetics (formerly Invitae), Labcorp
Classification: Uncertain significance for Hereditary breast ovarian cancer syndrome. Last evaluated: 2018-07-16. Review status: criteria provided, single submitter. Criteria: Invitae Variant Classification Sherloc (09022015). Collection method: clinical testing. Allele origin: germline.
Comment: In summary, the available evidence is currently insufficient to determine the role of this variant in disease. Therefore, it has been classified as a Variant of Uncertain Significance. Algorithms developed to predict the effect of missense changes on protein structure and function output the following: SIFT: "Tolerated"; PolyPhen-2: "Benign"; Align-GVGD: "Class C15". The arginine amino acid residue is found in multiple mammalian species, suggesting that this missense change does not adversely affect protein function. These predictions have not been confirmed by published functional studies and their clinical significance is uncertain. This variant has not been reported in the literature in individuals with BRCA1-related disease. This variant is not present in population databases (ExAC no frequency). This sequence change replaces glycine with arginine at codon 1492 of the BRCA1 protein (p.Gly1492Arg). The glycine residue is moderately conserved and there is a moderate physicochemical difference between glycine and arginine.

NM_007294.4(BRCA1):c.4474G>A (p.Gly1492Arg)

Gene: BRCA1 (BRCA1 DNA repair associated; minus strand). Cytogenetic location: 17q21.31.
Variant type: single nucleotide variant.
Coding change: c.4474G>A on transcript NM_007294.4 (MANE Select); coding-DNA position 4474, G replaced by A.
Protein change: p.Gly1492Arg; replaces glycine 1492 with arginine.
Molecular consequence: missense variant. On other transcripts: non-coding transcript variant (1).
Genome position (GRCh38, 1-based): chr17:43,076,498, C>T on the plus strand (G>A on the coding strand, the complement: BRCA1 is on the minus strand). VCF-style: chr17-43076498-C-T. GRCh37 (hg19) VCF-style: chr17-41228515-C-T.
Other names: c.4330G>A, p.Gly1444Arg (NM_001407738.1, NM_001407739.1, NM_001407740.1 and 21 more transcripts); c.4327G>A, p.Gly1443Arg (NM_001407852.1, NM_001407838.1, NM_001407839.1 and 12 more transcripts); c.4261G>A, p.Gly1421Arg (NM_001407571.1, NM_001407894.1, NM_001407895.1 and 12 more transcripts); c.4540G>A, p.Gly1514Arg (NM_001407581.1, NM_001407582.1); c.4537G>A, p.Gly1513Arg (NM_001407583.1, NM_001407585.1, NM_001407587.1 and 1 more transcripts); c.4534G>A, p.Gly1512Arg (NM_001407590.1, NM_001407591.1); c.4474G>A, p.Gly1492Arg (NM_001407593.1, NM_001407594.1, NM_001407596.1 and 8 more transcripts); c.4471G>A, p.Gly1491Arg (NM_001407610.1, NM_001407611.1, NM_001407612.1 and 17 more transcripts); and 68 more; short protein forms G1492R, G1445R, G1513R, G388R, G1363R, G1379R, G1402R, G1403R.
Identifiers: ClinVar variation 645683 (VCV000645683.10), dbSNP rs863224511, ClinGen allele CA10592584.